The following is an entry in ClinVar:

ClinVar aggregate classification (germline): Uncertain significance. Review status: criteria provided, multiple submitters, no conflicts (2 of 4 stars). 2 submissions from 2 submitters: Uncertain significance (2). Last evaluated 2024-03-06.

Conditions:
Cardiovascular phenotype. Identifiers: MedGen CN230736.
Cardiomyopathy (CMYO). Also called: Cardiomyopathies. Identifiers: Orphanet 167848, MedGen C0878544, MONDO:0004994, HP:0001638. Inheritance: Various modes of inheritance.

Submissions (2):

Color Diagnostics, LLC DBA Color Health
Classification: Uncertain significance for Cardiomyopathy. Last evaluated: 2024-03-06. Review status: criteria provided, single submitter. Criteria: ACMG Guidelines, 2015. Collection method: clinical testing. Allele origin: germline.
Comment: This missense variant replaces leucine with proline at codon 76 of the TNNI3 protein. Computational prediction suggests that this variant may have deleterious impact on protein structure and function (internally defined REVEL score threshold >= 0.7, PMID: 27666373). To our knowledge, functional studies have not been reported for this variant. This variant has not been reported in individuals affected with cardiovascular disorders in the literature. This variant has not been identified in the general population by the Genome Aggregation Database (gnomAD). The available evidence is insufficient to determine the role of this variant in disease conclusively. Therefore, this variant is classified as a Variant of Uncertain Significance.

Ambry Genetics
Classification: Uncertain significance for Cardiovascular phenotype. Last evaluated: 2020-11-12. Review status: criteria provided, single submitter. Criteria: Ambry Variant Classification Scheme 2023. Collection method: clinical testing. Allele origin: germline.
Comment: The p.L76P variant (also known as c.227T>C), located in coding exon 5 of the TNNI3 gene, results from a T to C substitution at nucleotide position 227. The leucine at codon 76 is replaced by proline, an amino acid with similar properties. This amino acid position is well conserved in available vertebrate species. In addition, this alteration is predicted to be deleterious by in silico analysis. Since supporting evidence is limited at this time, the clinical significance of this alteration remains unclear.

NM_000363.5(TNNI3):c.227T>C (p.Leu76Pro)

Gene: TNNI3 (troponin I3, cardiac type; minus strand). Cytogenetic location: 19q13.42.
Variant type: single nucleotide variant.
Coding change: c.227T>C on transcript NM_000363.5 (MANE Select); coding-DNA position 227, T replaced by C.
Protein change: p.Leu76Pro; replaces leucine 76 with proline.
Molecular consequence: missense variant.
Genome position (GRCh38, 1-based): chr19:55,156,256, A>G on the plus strand (T>C on the coding strand, the complement: TNNI3 is on the minus strand). VCF-style: chr19-55156256-A-G. GRCh37 (hg19) VCF-style: chr19-55667624-A-G.
Other names: short protein forms L76P.
Identifiers: ClinVar variation 1171949 (VCV001171949.5), dbSNP rs1443859469, ClinGen allele CA407441774.